The following is an entry in ClinVar:

NM_174936.4(PCSK9):c.908G>A (p.Arg303His)

Gene: PCSK9 (proprotein convertase subtilisin/kexin type 9; plus strand). Cytogenetic location: 1p32.3.
Variant type: single nucleotide variant.
Coding change: c.908G>A on transcript NM_174936.4 (MANE Select); coding-DNA position 908, G replaced by A.
Protein change: p.Arg303His; replaces arginine 303 with histidine.
Molecular consequence: missense variant. On other transcripts: non-coding transcript variant (8).
Genome position (GRCh38, 1-based): chr1:55,056,101, G>A. VCF-style: chr1-55056101-G-A. GRCh37 (hg19) VCF-style: chr1-55521774-G-A.
Other names: c.1031G>A, p.Arg344His (NM_001407240.1); c.908G>A, p.Arg303His (NM_001407241.1, NM_001407244.1, NM_001407247.1); c.911G>A, p.Arg304His (NM_001407242.1); c.851G>A, p.Arg284His (NM_001407243.1); c.716G>A, p.Arg239His (NM_001407245.1); c.533G>A, p.Arg178His (NM_001407246.1); short protein forms R304H, R344H, R239H, R178H, R303H, R284H.
Identifiers: ClinVar variation 2774045 (VCV002774045.2), dbSNP rs1281537073, ClinGen allele CA340474797.

ClinVar aggregate classification (germline): Uncertain significance (1 of 4 stars; one submission).

Conditions:
Familial hypercholesterolemia. Also called: Familial hypercholesterolaemia. Identifiers: MedGen C0020445, MONDO:0005439.

Allele frequency attached by ClinVar (database versions not stated): gnomAD exomes below 0.00001.
gnomAD v4.1: 2 of 1,587,960 alleles (0.00013%); highest among the groups gnomAD compares: Middle Eastern, 0.017%; no homozygotes.

Submission:

Color Diagnostics, LLC DBA Color Health
Classification: Uncertain significance for Familial hypercholesterolemia. Last evaluated: 2023-01-23. Review status: criteria provided, single submitter. Criteria: ACMG Guidelines, 2015. Collection method: clinical testing. Allele origin: germline.
Comment: This missense variant replaces arginine with histidine at codon 303 of the PCSK9 protein. Computational prediction suggests that this variant may not impact protein structure and function (internally defined REVEL score threshold <= 0.5, PMID: 27666373). To our knowledge, functional studies have not been reported for this variant. This variant has been reported in an individuals possibly affected with familial hypercholesterolemia (PMID: 36329474). This variant has not been identified in the general population by the Genome Aggregation Database (gnomAD). The available evidence is insufficient to determine the role of this variant in disease conclusively. Therefore, this variant is classified as a Variant of Uncertain Significance.

Literature cited by the submitters: PubMed 36329474.